The following is an entry in ClinVar:

NM_000157.4(GBA1):c.1599G>A (p.Trp533Ter)

Genes: GBA1 (glucosylceramidase beta 1; minus strand), LOC106627981 (GBA recombination region; plus strand). Cytogenetic location: 1q22.
Variant type: single nucleotide variant.
Coding change: c.1599G>A on transcript NM_000157.4 (MANE Select); coding-DNA position 1599, G replaced by A.
Protein change: p.Trp533Ter; replaces tryptophan 533 with a stop codon.
Molecular consequence: nonsense.
Genome position (GRCh38, 1-based): chr1:155,235,007, C>T on the plus strand (G>A on the coding strand, the complement: GBA1 is on the minus strand). VCF-style: chr1-155235007-C-T. GRCh37 (hg19) VCF-style: chr1-155204798-C-T.
Other names: c.1599G>A (NM_001005741.2, NM_000157.3); c.1599G>A, p.Trp533Ter (NM_001005741.3, NM_001005742.3); c.1338G>A, p.Trp446Ter (NM_001171811.2); c.1452G>A, p.Trp484Ter (NM_001171812.2); short protein forms W446*, W533*, W484*.
Identifiers: ClinVar variation 917862 (VCV000917862.4), dbSNP rs1671655923, ClinGen allele CA342709633.

ClinVar aggregate classification (germline): Pathogenic/Likely pathogenic. Review status: criteria provided, multiple submitters, no conflicts (2 of 4 stars). 3 submissions from 3 submitters: Pathogenic (1); Likely pathogenic (1). 1 of the submissions does not count toward it. Last evaluated 2025-07-11.

Conditions:
Gaucher disease type I (GD1). Also called: GLUCOCEREBROSIDASE DEFICIENCY; Type 1 Gaucher Disease; GD 1; GAUCHER DISEASE, NONCEREBRAL JUVENILE; GBA DEFICIENCY; GD I. Identifiers: Orphanet 355, Orphanet 77259, MedGen C1961835, MONDO:0009265, OMIM 230800.
Gaucher disease. Also called: Acute cerebral Gaucher disease; Cerebroside lipidosis syndrome; Gaucher splenomegaly; Sphingolipidosis 1; Glucocerebrosidosis; Glucosylceramidase deficiency. Identifiers: Orphanet 355, MedGen C0017205, MONDO:0018150.

Submissions (3):

Natera, Inc.
Classification: Likely pathogenic for Gaucher disease. Last evaluated: 2025-07-11. Review status: criteria provided, single submitter. Criteria: Natera Variant Classification Schema (03/2026). Collection method: clinical testing. Allele origin: germline.
Comment: The c.1599G>A variant in GBA1 is a nonsense variant predicted to introduce a stop codon at amino acid 533. This variant is expected to result in nonsense mediated decay, truncation, or a dysfunctional protein product. This variant is rare in the general population with a frequency below the threshold expected for the associated phenotype(s). This variant has been observed in one or more individuals affected with the associated recessive disease, as either homozygous or compound heterozygous with a second variant (PMID: 23935976). Given the available evidence, this variant is classified as Likely Pathogenic.

Women's Health and Genetics/Laboratory Corporation of America, LabCorp
Classification: Pathogenic for Gaucher disease. Last evaluated: 2023-06-15. Review status: criteria provided, single submitter. Criteria: LabCorp Variant Classification Summary - May 2015. Collection method: clinical testing. Allele origin: germline.
Comment: Variant summary: GBA c.1599G>A (p.Trp533X) results in a premature termination codon. While the variant is not expected to undergo nonsense-mediated decay, variants downstream of this position have been classified as pathogenic by our laboratory (p.Arg535Cys, p.Arg535His). The variant was absent in 176860 control chromosomes. c.1599G>A has been reported in the literature in compound heterozygous indivudals affected with Gaucher Disease including one neonatal case who carried a VUS in cis and a pathogenic variant in trans (Phetthong_2021, Lecourt_2013). At least one publication reports experimental evidence evaluating an impact on protein function, however, does not allow convincing conclusions about the variant effect (Lecourt_2013). The following publications have been ascertained in the context of this evaluation (PMID: 23935976, 34930372). One clinical diagnostic laboratory has submitted clinical-significance assessments for this variant to ClinVar after 2014 without evidence for independent evaluation. One laboratory classified the variant as pathogenic. Based on the evidence outlined above, the variant was classified as pathogenic.

Department of Pediatrics, Division of Medical Genetics, Faculty of Medicine Ramathibodi Hospital, Mahidol University
Classification: Pathogenic for Gaucher disease type I. Last evaluated: 2020-06-04. Review status: no assertion criteria provided. Collection method: research. Allele origin: germline. Inheritance: Autosomal recessive inheritance. Affected: yes. Observed: 1 compound heterozygote. Not counted in ClinVar's aggregate classification.
Comment: The c.1599G>A variant in GBA was absent from large population and our in-house database. This variant segregated with the non-neuronopathic Gaucher disease. The glucocerbrosidase enzyme activity was deficient.

Literature cited by the submitters: PubMed 23935976 (cited by Natera, Inc. and Women's Health and Genetics/Laboratory Corporation of America, LabCorp); PubMed 34930372 (cited by Women's Health and Genetics/Laboratory Corporation of America, LabCorp).